The following is an entry in ClinVar:

NM_015267.4(CUX2):c.2753T>A (p.Ile918Asn)

Gene: CUX2 (cut like homeobox 2; plus strand). Cytogenetic location: 12q24.12.
Variant type: single nucleotide variant.
Coding change: c.2753T>A on transcript NM_015267.4 (MANE Select); coding-DNA position 2753, T replaced by A.
Protein change: p.Ile918Asn; replaces isoleucine 918 with asparagine.
Molecular consequence: missense variant.
Genome position (GRCh38, 1-based): chr12:111,320,762, T>A. VCF-style: chr12-111320762-T-A. GRCh37 (hg19) VCF-style: chr12-111758566-T-A.
Other names: c.2567T>A, p.Ile856Asn (NM_001370598.1); short protein forms I856N, I918N.
Identifiers: ClinVar variation 5017286 (VCV005017286.1).

ClinVar aggregate classification (germline): Uncertain significance (1 of 4 stars; one submission).

Submission:

GeneDx
Classification: Uncertain significance. Last evaluated: 2026-03-23. Review status: criteria provided, single submitter. Criteria: GeneDx Variant Classification Process June 2021. Collection method: clinical testing. Allele origin: germline.
Comment: Not observed at significant frequency in large population cohorts (gnomAD); In silico analysis supports that this missense variant has a deleterious effect on protein structure/function; Has not been previously published as pathogenic or benign to our knowledge